The following is an entry in ClinVar:

ClinVar aggregate classification (germline): Uncertain significance (1 of 4 stars; one submission).

Submission:

GeneDx
Classification: Uncertain significance. Last evaluated: 2023-09-07. Review status: criteria provided, single submitter. Criteria: GeneDx Variant Classification Process June 2021. Collection method: clinical testing. Allele origin: germline. Affected: yes.
Comment: Not observed at significant frequency in large population cohorts (gnomAD); Frameshift variant predicted to result in protein truncation or nonsense mediated decay in a gene or region of a gene for which loss of function is not a well-established mechanism of disease; Has not been previously published as pathogenic or benign to our knowledge; Variants in candidate genes are classified as variants of uncertain significance in accordance with ACMG guidelines (Richards et al., 2015)

NM_005475.3(SH2B3):c.202_203del (p.Thr68fs)

Gene: SH2B3 (SH2B adaptor protein 3; plus strand). Cytogenetic location: 12q24.12.
Variant type: Deletion.
Coding change: c.202_203del on transcript NM_005475.3 (MANE Select); coding-DNA positions 202 to 203, 2 bases deleted (AC; older notation c.202_203delAC).
Protein change: p.Thr68fs; shifts the reading frame from threonine 68.
Molecular consequence: frameshift variant.
Genome position (GRCh38, 1-based): chr12:111,418,347-111,418,348, AC deleted; deleting any 2 consecutive bases within chr12:111,418,346-111,418,348 gives the same sequence; the c. name uses the placement nearest the transcript's 3' end. VCF-style (leftmost placement, unchanged base first): chr12-111418345-TCA-T. GRCh37 (hg19) VCF-style: chr12-111856149-TCA-T.
Other names: c.202_203delAC, p.Thr68Argfs (NM_005475.2); short protein forms T68fs.
Identifiers: ClinVar variation 3253109 (VCV003253109.1), dbSNP rs1871247086.